The following is an entry in ClinVar:

NM_000137.4(FAH):c.648C>G (p.Ile216Met)

Gene: FAH (fumarylacetoacetate hydrolase; plus strand). Cytogenetic location: 15q25.1.
Variant type: single nucleotide variant.
Coding change: c.648C>G on transcript NM_000137.4 (MANE Select); coding-DNA position 648, C replaced by G.
Protein change: p.Ile216Met; replaces isoleucine 216 with methionine.
Molecular consequence: missense variant.
Genome position (GRCh38, 1-based): chr15:80,172,190, C>G. VCF-style: chr15-80172190-C-G. GRCh37 (hg19) VCF-style: chr15-80464532-C-G.
Other names: c.648C>G, p.Ile216Met (NM_001374377.1, NM_001374380.1); short protein forms I216M.
Identifiers: ClinVar variation 1610205 (VCV001610205.10), dbSNP rs147016995, ClinGen allele CA7691293.

ClinVar aggregate classification (germline): Conflicting classifications of pathogenicity. Review status: criteria provided, conflicting classifications (1 of 4 stars). 3 submissions from 3 submitters: Uncertain significance (1); Likely benign (1). 1 of the submissions does not count toward it. Last evaluated 2026-01-24.

Conditions:
FAH-related disorder. Also called: FAH-related condition.
Tyrosinemia type I (TYRSN1). Also called: HEPATORENAL TYROSINEMIA; Tyrosinemia type 1; Fumarylacetoacetase deficiency; Deficiency of fumarylacetoacetase; FAH DEFICIENCY. Identifiers: Orphanet 882, MedGen C0268490, MONDO:0010161, OMIM 276700. Disease mechanism: loss of function.

Allele frequency attached by ClinVar (database versions not stated): 1000 Genomes Project 0.00100; 1000 Genomes Project 30x 0.00141.
gnomAD v4.1: 138 of 1,614,106 alleles (0.0085%); highest among the groups gnomAD compares: South Asian, 0.14%; 2 homozygotes.

Submissions (3):

Labcorp Genetics (formerly Invitae), Labcorp
Classification: Likely benign for Tyrosinemia type I. Last evaluated: 2026-01-24. Review status: criteria provided, single submitter. Criteria: Invitae Variant Classification Sherloc (09022015). Collection method: clinical testing. Allele origin: germline.

Women's Health and Genetics/Laboratory Corporation of America, LabCorp
Classification: Uncertain significance. Last evaluated: 2022-08-02. Review status: criteria provided, single submitter. Criteria: LabCorp Variant Classification Summary - May 2015. Collection method: clinical testing. Allele origin: germline.
Comment: Variant summary: FAH c.648C>G (p.Ile216Met) results in a conservative amino acid change located in the Fumarylacetoacetase-like, C-terminal domain (IPR011234) of the encoded protein sequence. Four of five in-silico tools predict a damaging effect of the variant on protein function. The variant allele was found at a frequency of 0.00019 in 251488 control chromosomes. This frequency is not significantly higher than expected for a pathogenic variant in FAH causing Tyrosinemia Type 1 (0.00019 vs 0.0025), allowing no conclusion about variant significance. c.648C>G has been reported in the literature in one homozygous individual with possible incidental diagnosis of Tyrosinaemia type I (no biochemical evidence, Ghosh_2017). The report does not provide unequivocal conclusions about association of the variant with Tyrosinemia Type 1. To our knowledge, no experimental evidence demonstrating an impact on protein function has been reported. One ClinVar submitter (evaluation after 2014) cites the variant as likely benign. Based on the evidence outlined above, the variant was classified as uncertain significance.

PreventionGenetics, part of Exact Sciences
Classification: Uncertain significance for FAH-related condition. Last evaluated: 2024-05-29. Review status: no assertion criteria provided. Collection method: clinical testing. Allele origin: germline. Not counted in ClinVar's aggregate classification.
Comment: The FAH c.648C>G variant is predicted to result in the amino acid substitution p.Ile216Met. This variant was also identified in the heterozygous state alongside a second variant designated c.1159G>A (p.Gly387Arg) in the parents of a child with tyrosinemia type1, however; neither variant was confirmed in the affected child (Sheth et al. 2012. PubMed ID: 23193487). This variant is reported in 0.15% of alleles in individuals of South Asian descent in gnomAD. At this time, the clinical significance of this variant is uncertain due to the absence of conclusive functional and genetic evidence.

Literature cited by the submitters: PubMed 25681080 (cited by Women's Health and Genetics/Laboratory Corporation of America, LabCorp); PubMed 28468868 (cited by Women's Health and Genetics/Laboratory Corporation of America, LabCorp); PubMed 28755182 (cited by Women's Health and Genetics/Laboratory Corporation of America, LabCorp); PubMed 23193487 (cited by Women's Health and Genetics/Laboratory Corporation of America, LabCorp).